The following is an entry in ClinVar:

NM_199420.4(POLQ):c.1867C>T (p.Leu623Phe)

Gene: POLQ (DNA polymerase theta; minus strand). Cytogenetic location: 3q13.33.
Variant type: single nucleotide variant.
Coding change: c.1867C>T on transcript NM_199420.4 (MANE Select); coding-DNA position 1867, C replaced by T.
Protein change: p.Leu623Phe; replaces leucine 623 with phenylalanine.
Molecular consequence: missense variant.
Genome position (GRCh38, 1-based): chr3:121,509,653, G>A on the plus strand (C>T on the coding strand, the complement: POLQ is on the minus strand). VCF-style: chr3-121509653-G-A. GRCh37 (hg19) VCF-style: chr3-121228500-G-A.
Other names: short protein forms L623F.
Identifiers: ClinVar variation 1781597 (VCV001781597.2), dbSNP rs1576421279, ClinGen allele CA354113768.
Genomic context (GRCh38, chr3:121,509,653, plus strand): 5'-CAAAGCCCTTCATTGCTCTTTGCAGGTCAGCAAAAATATCTAAAGTATCAGCTGGAGAAA[G>A]TGAAGAAGAAAGAGTGGCCGAACCAAGATGTGTTGGATGATACACCTTTCCTGGTTTAGG-3'
Protein context (NP_955452.3, residues 613-633): HLGSATLSSS[Leu623Phe]SPADTLDIFA

ClinVar aggregate classification (germline): Uncertain significance (1 of 4 stars; one submission).

Submission:

Ambry Genetics
Classification: Uncertain significance. Last evaluated: 2022-02-26. Review status: criteria provided, single submitter. Criteria: Ambry Variant Classification Scheme 2023. Collection method: clinical testing. Allele origin: germline.
Comment: The p.L623F variant (also known as c.1867C>T), located in coding exon 12 of the POLQ gene, results from a C to T substitution at nucleotide position 1867. The leucine at codon 623 is replaced by phenylalanine, an amino acid with highly similar properties. This amino acid position is conserved. In addition, the in silico prediction for this alteration is inconclusive. Since supporting evidence is limited at this time, the clinical significance of this alteration remains unclear.